The following is an entry in ClinVar:

NM_000492.4(CFTR):c.1209+18A>C

Gene: CFTR (CF transmembrane conductance regulator; plus strand). Cytogenetic location: 7q31.2.
Variant type: single nucleotide variant.
Coding change: c.1209+18A>C on transcript NM_000492.4 (MANE Select); 18 bases into the intron after coding-DNA position 1209, A replaced by C.
Molecular consequence: intron variant.
Genome position (GRCh38, 1-based): chr7:117,542,126, A>C. VCF-style: chr7-117542126-A-C. GRCh37 (hg19) VCF-style: chr7-117182180-A-C.
Identifiers: ClinVar variation 35818 (VCV000035818.14), dbSNP rs193922499, ClinGen allele CA260213.
Genomic context (GRCh38, chr7:117,542,126, plus strand): 5'-TACAGAAGTAGTGATGGAGAATGTAACAGCCTTCTGGGAGGAGGTCAGAATTTTTAAAAA[A>C]TTGTTTGCTCTAAACACCTAACTGTTTTCTTCTTTGTGAATATGGATTTCATCCTAATGG-3'

ClinVar aggregate classification (germline): Likely benign. Review status: criteria provided, multiple submitters, no conflicts (2 of 4 stars). 4 submissions from 4 submitters: Likely benign (3). 1 of the submissions does not count toward it. Last evaluated 2026-02-06.

Conditions:
Cystic fibrosis (CF). Also called: MUCOVISCIDOSIS. Identifiers: Orphanet 586, MedGen C0010674, MONDO:0009061, OMIM 219700. Disease mechanism: loss of function.

Allele frequency attached by ClinVar (database versions not stated): gnomAD exomes below 0.00001.
gnomAD v4.1: 4 of 1,309,382 alleles (0.00031%); highest among the groups gnomAD compares: Non-Finnish European, 0.00044%; no homozygotes.

Submissions (4):

Ambry Genetics
Classification: Likely benign for Cystic fibrosis. Last evaluated: 2026-02-06. Review status: criteria provided, single submitter. Criteria: Ambry Variant Classification Scheme 2023. Collection method: clinical testing. Allele origin: germline.

Women's Health and Genetics/Laboratory Corporation of America, LabCorp
Classification: Likely benign. Last evaluated: 2024-12-20. Review status: criteria provided, single submitter. Criteria: LabCorp Variant Classification Summary - May 2015. Collection method: clinical testing. Allele origin: germline.
Comment: Variant summary: CFTR c.1209+18A>C alters a nucleotide located at a position not widely known to affect splicing. The variant allele was found at a frequency of 4e-06 in 248404 control chromosomes. The available data on variant occurrences in the general population are insufficient to allow any conclusion about variant significance. c.1209+18A>C has been reported in the literature in individuals affected with Cystic Fibrosis. These report(s) do not provide unequivocal conclusions about association of the variant with Cystic Fibrosis. The variant was shown to not affect splicing (Raynal_2013). ClinVar contains an entry for this variant (Variation ID: 35818). Based on the evidence outlined above, the variant was classified as likely benign.

Labcorp Genetics (formerly Invitae), Labcorp
Classification: Likely benign for Cystic fibrosis. Last evaluated: 2023-03-18. Review status: criteria provided, single submitter. Criteria: Invitae Variant Classification Sherloc (09022015). Collection method: clinical testing. Allele origin: germline.

Counsyl
Classification: Likely benign for Cystic fibrosis. Last evaluated: 2017-08-15. Review status: no assertion criteria provided. Collection method: clinical testing. Allele origin: unknown. Not counted in ClinVar's aggregate classification.

Literature cited by the submitters: PubMed 23381846 (cited by Women's Health and Genetics/Laboratory Corporation of America, LabCorp and Counsyl); PubMed 23503723 (cited by Counsyl).